The following is an entry in ClinVar:

ClinVar aggregate classification (germline): Likely pathogenic (1 of 4 stars; one submission).

Conditions:
Dilated cardiomyopathy 1G (CMD1G). Identifiers: Orphanet 154, MedGen C1858763, MONDO:0011400, OMIM 604145.
Autosomal recessive limb-girdle muscular dystrophy type 2J (LGMDR10). Also called: Limb-girdle muscular dystrophy, type 2J; MUSCULAR DYSTROPHY, LIMB-GIRDLE, AUTOSOMAL RECESSIVE 10. Identifiers: Orphanet 140922, MedGen C1837342, MONDO:0012127, OMIM 608807.

Submission:

Labcorp Genetics (formerly Invitae), Labcorp
Classification: Likely pathogenic for Dilated cardiomyopathy 1G; Autosomal recessive limb-girdle muscular dystrophy type 2J. Last evaluated: 2025-03-17. Review status: criteria provided, single submitter. Criteria: Invitae Variant Classification Sherloc (09022015). Collection method: clinical testing. Allele origin: germline.
Comment: This sequence change creates a premature translational stop signal (p.Asp22512Glufs*5) in the TTN gene. While this is not anticipated to result in nonsense mediated decay, it is expected to create a truncated TTN protein. This variant is not present in population databases (gnomAD no frequency). This variant has not been reported in the literature in individuals affected with TTN-related conditions. This variant is located in the A band of TTN (PMID: 25589632). Truncating variants in this region are significantly overrepresented in patients affected with dilated cardiomyopathy (PMID: 25589632). Truncating variants in this region have also been reported in individuals affected with autosomal recessive centronuclear myopathy (PMID: 23975875). In summary, the currently available evidence indicates that the variant is pathogenic, but additional data are needed to prove that conclusively. Therefore, this variant has been classified as Likely Pathogenic.

Literature cited by the submitters: PubMed 25589632; PubMed 23975875.

NM_001267550.2(TTN):c.67532_67535dup (p.Asp22512fs)

Genes: TTN-AS1 (TTN antisense RNA 1; plus strand), TTN (titin; minus strand), LOC126806423 (CDK7 strongly-dependent group 2 enhancer GRCh37_chr2:179443309-179444508; plus strand). Cytogenetic location: 2q31.2.
Variant type: Duplication.
Coding change: c.67532_67535dup on transcript NM_001267550.2 (MANE Select); coding-DNA positions 67532 to 67535, 4 bases duplicated (AAGA; older notation c.67532_67535dupAAGA).
Protein change: p.Asp22512fs; shifts the reading frame from aspartic acid 22512.
Molecular consequence: frameshift variant.
Genome position (GRCh38, 1-based): chr2:178,579,662-178,579,665, TCTT duplicated on the plus strand (AAGA on the coding strand, the reverse complement: TTN is on the minus strand); duplicating any 4 consecutive bases within chr2:178,579,662-178,579,666 gives the same sequence; the c. name uses the placement nearest the transcript's 3' end. VCF-style (leftmost placement, unchanged base first): chr2-178579661-A-ATCTT. GRCh37 (hg19) VCF-style: chr2-179444388-A-ATCTT.
Other names: c.62609_62612dup, p.Asp20871fs (NM_001256850.1); c.40337_40340dup, p.Asp13447fs (NM_003319.4); c.59828_59831dup, p.Asp19944fs (NM_133378.4); c.40712_40715dup, p.Asp13572fs (NM_133432.3); c.40913_40916dup, p.Asp13639fs (NM_133437.4); short protein forms D13447fs, D20871fs, D13639fs, D19944fs, D13572fs, D22512fs.
Identifiers: ClinVar variation 4784413 (VCV004784413.1).
Genomic context (GRCh38, chr2:178,579,661, plus strand): 5'-TCCTTCTCCATTTTCATTCTCAGCACTCACTCTGAAGGTATATTCCTTCCCTTCAGTCAA[A>ATCTT]TCTTTTGCAGAGTACTGTAGGCTTAAGGATTTCATAACTCGTTGCCACTTATTTTCTTCA-3'